The following is an entry in ClinVar:

NM_001267550.2(TTN):c.45310C>T (p.Leu15104Phe)

Genes: TTN (titin; minus strand), LOC126806427 (BRD4-independent group 4 enhancer GRCh37_chr2:179485777-179486976; plus strand). Cytogenetic location: 2q31.2.
Variant type: single nucleotide variant.
Coding change: c.45310C>T on transcript NM_001267550.2 (MANE Select); coding-DNA position 45310, C replaced by T.
Protein change: p.Leu15104Phe; replaces leucine 15104 with phenylalanine.
Molecular consequence: missense variant.
Genome position (GRCh38, 1-based): chr2:178,621,514, G>A on the plus strand (C>T on the coding strand, the complement: TTN is on the minus strand). VCF-style: chr2-178621514-G-A. GRCh37 (hg19) VCF-style: chr2-179486241-G-A.
Other names: p.L12536F:CTC>TTC; c.40387C>T, p.Leu13463Phe (NM_001256850.1); c.18115C>T, p.Leu6039Phe (NM_003319.4); c.37606C>T, p.Leu12536Phe (NM_133378.4); c.18490C>T, p.Leu6164Phe (NM_133432.3); c.18691C>T, p.Leu6231Phe (NM_133437.4); short protein forms L12536F, L15104F, L13463F, L6039F, L6164F, L6231F.
Identifiers: ClinVar variation 202304 (VCV000202304.9), dbSNP rs370782950, ClinGen allele CA309028.

ClinVar aggregate classification (germline): Likely benign. Review status: criteria provided, multiple submitters, no conflicts (2 of 4 stars). 5 submissions from 5 submitters: Likely benign (2). 3 of the submissions do not count toward it. Last evaluated 2025-04-09.

Allele frequency attached by ClinVar (database versions not stated): ExAC 0.00001; gnomAD exomes below 0.00001 and 0.00001; gnomAD 0.00001; TOPMed 0.00001; ESP Exome Variant Server 0.00008.
gnomAD v4.1: 7 of 1,612,340 alleles (0.00043%); highest among the groups gnomAD compares: Non-Finnish European, 0.00059%; no homozygotes.

Submissions (5):

Molecular Diagnostic Laboratory for Inherited Cardiovascular Disease, Montreal Heart Institute
Classification: Likely benign. Last evaluated: 2025-04-09. Review status: criteria provided, single submitter. Criteria: ACMG Guidelines, 2015. Collection method: clinical testing. Allele origin: germline. Affected: no.

GeneDx
Classification: Likely benign. Last evaluated: 2012-10-09. Review status: criteria provided, single submitter. Criteria: GeneDx Variant Classification (06012015). Collection method: clinical testing. Allele origin: germline. Affected: yes.
Comment: This variant is considered likely benign or benign based on one or more of the following criteria: it is a conservative change, it occurs at a poorly conserved position in the protein, it is predicted to be benign by multiple in silico algorithms, and/or has population frequency not consistent with disease.

Clinical Genetics DNA and cytogenetics Diagnostics Lab, Erasmus MC, Erasmus Medical Center
Classification: Uncertain significance. Review status: no assertion criteria provided. Collection method: clinical testing. Allele origin: germline. Affected: yes. Study: VKGL Data-share Consensus. Not counted in ClinVar's aggregate classification.

Clinical Genetics, Academic Medical Center
Classification: Uncertain significance. Review status: no assertion criteria provided. Collection method: clinical testing. Allele origin: germline. Affected: yes. Study: VKGL Data-share Consensus. Not counted in ClinVar's aggregate classification.

Joint Genome Diagnostic Labs from Nijmegen and Maastricht, Radboudumc and MUMC+
Classification: Uncertain significance. Review status: no assertion criteria provided. Collection method: clinical testing. Allele origin: germline. Affected: yes. Study: VKGL Data-share Consensus. Not counted in ClinVar's aggregate classification.